The following is an entry in ClinVar:

NM_031885.5(BBS2):c.720G>A (p.Ser240=)

Gene: BBS2 (Bardet-Biedl syndrome 2; minus strand). Cytogenetic location: 16q13.
Variant type: single nucleotide variant.
Coding change: c.720G>A on transcript NM_031885.5 (MANE Select); coding-DNA position 720, G replaced by A.
Protein change: p.Ser240=; no amino-acid change (serine 240 retained).
Molecular consequence: synonymous variant. On other transcripts: non-coding transcript variant (5).
Genome position (GRCh38, 1-based): chr16:56,506,034, C>T on the plus strand (G>A on the coding strand, the complement: BBS2 is on the minus strand). VCF-style: chr16-56506034-C-T. GRCh37 (hg19) VCF-style: chr16-56539946-C-T.
Other names: c.720G>A, p.Ser240= (NM_001377456.1); c.720G>A (NM_031885.3).
Identifiers: ClinVar variation 1112124 (VCV001112124.33), dbSNP rs758715963, ClinGen allele CA8065940.

ClinVar aggregate classification (germline): Likely benign. Review status: criteria provided, multiple submitters, no conflicts (2 of 4 stars). 3 submissions from 3 submitters: Likely benign (3). Last evaluated 2026-01-09.

Conditions:
Bardet-Biedl syndrome (BBS). Identifiers: Orphanet 110, MedGen C0752166, MONDO:0015229.
BBS2-related disorder. Also called: BBS2-related condition; BBS2-related disorders. Identifiers: MedGen CN239228.

Allele frequency attached by ClinVar (database versions not stated): TOPMed below 0.00001; ExAC 0.00001; gnomAD 0.00001; gnomAD exomes 0.00001.
gnomAD v4.1: 23 of 1,613,628 alleles (0.0014%); highest among the groups gnomAD compares: African/African-American, 0.0027%; no homozygotes.

Submissions (3):

Labcorp Genetics (formerly Invitae), Labcorp
Classification: Likely benign for Bardet-Biedl syndrome. Last evaluated: 2026-01-09. Review status: criteria provided, single submitter. Criteria: Invitae Variant Classification Sherloc (09022015). Collection method: clinical testing. Allele origin: germline.

PreventionGenetics, part of Exact Sciences
Classification: Likely benign for BBS2-related condition. Last evaluated: 2024-10-07. Review status: criteria provided, single submitter. Criteria: ACMG Guidelines, 2015. Collection method: clinical testing. Allele origin: germline.
Comment: This variant is classified as likely benign based on ACMG/AMP sequence variant interpretation guidelines (Richards et al. 2015 PMID: 25741868, with internal and published modifications).

CeGaT Center for Human Genetics Tuebingen
Classification: Likely benign. Last evaluated: 2022-12-01. Review status: criteria provided, single submitter. Criteria: CeGaT Center For Human Genetics Tuebingen Variant Classification Criteria Version 2. Collection method: clinical testing. Allele origin: germline. Affected: yes. Observed: 1 variant allele.
Comment: BBS2: BP4, BP7